The following is an entry in ClinVar:

NM_001164508.2(NEB):c.21299_21302del (p.Gln7100fs)

Gene: NEB (nebulin; minus strand). Cytogenetic location: 2q23.3.
Variant type: Deletion.
Coding change: c.21299_21302del on transcript NM_001164508.2 (MANE Select); coding-DNA positions 21299 to 21302, 4 bases deleted (AATT; older notation c.21299_21302delAATT).
Protein change: p.Gln7100fs; shifts the reading frame from glutamine 7100.
Molecular consequence: frameshift variant.
Genome position (GRCh38, 1-based): chr2:151,535,701-151,535,704, AATT deleted on the plus strand (AATT on the coding strand, the reverse complement: NEB is on the minus strand). VCF-style (leftmost placement, unchanged base first): chr2-151535700-CAATT-C. GRCh37 (hg19) VCF-style: chr2-152392214-CAATT-C.
Other names: c.21299_21302del, p.Gln7100fs (NM_001164507.2, NM_001271208.2); c.16196_16199del, p.Gln5399fs (NM_004543.5); short protein forms Q5399fs, Q7100fs.
Identifiers: ClinVar variation 1958591 (VCV001958591.5), dbSNP rs2552147108, ClinGen allele CA2580063893.
Genomic context (GRCh38, chr2:151,535,700, plus strand): 5'-CTTCTTTAGGGAATTGAATAGGCTTAATTGGAGCAGTTTATTCATACATACCTCATTCAT[CAATT>C]GAGTTGCATACTTGAAATGCCTATTGATCGGAGAGTCGGCAACATACTTGAAATCTGACT-3'

ClinVar aggregate classification (germline): Pathogenic (1 of 4 stars; one submission).

Conditions:
Nemaline myopathy 2 (NEM2). Also called: Nemaline myopathy 2, autosomal recessive. Identifiers: MedGen C1850569, MONDO:0009725, OMIM 256030.

Submission:

Labcorp Genetics (formerly Invitae), Labcorp
Classification: Pathogenic for Nemaline myopathy 2. Last evaluated: 2022-05-30. Review status: criteria provided, single submitter. Criteria: Invitae Variant Classification Sherloc (09022015). Collection method: clinical testing. Allele origin: germline.
Comment: This sequence change creates a premature translational stop signal (p.Gln7100Argfs*2) in the NEB gene. It is expected to result in an absent or disrupted protein product. Loss-of-function variants in NEB are known to be pathogenic (PMID: 25205138). This variant is not present in population databases (gnomAD no frequency). This variant has not been reported in the literature in individuals affected with NEB-related conditions. For these reasons, this variant has been classified as Pathogenic.

Literature cited by the submitters: PubMed 25205138.